The following is an entry in ClinVar:

ClinVar aggregate classification (germline): Pathogenic (1 of 4 stars; one submission).

Conditions:
Hereditary cancer-predisposing syndrome. Also called: Hereditary neoplastic syndrome; Neoplastic Syndromes, Hereditary; Tumor predisposition; Hereditary Cancer Syndrome. Identifiers: Orphanet 140162, MedGen C0027672, MeSH D009386, MONDO:0015356.

Submission:

Ambry Genetics
Classification: Pathogenic for Hereditary cancer-predisposing syndrome. Last evaluated: 2025-02-03. Review status: criteria provided, single submitter. Criteria: Ambry Variant Classification Scheme 2023. Collection method: clinical testing. Allele origin: germline.
Comment: The c.440delT pathogenic mutation, located in coding exon 5 of the BRCA1 gene, results from a deletion of one nucleotide at nucleotide position 440, causing a translational frameshift with a predicted alternate stop codon (p.L147Cfs*16). This variant was reported in individual(s) with features consistent with BRCA1-related cancer predisposition (Momozawa Y et al. Nat Commun, 2018 Oct;9:4083; Deng H et al. Mol Genet Genomic Med, 2019 Jun;7:e672; Jiang Y et al. Biomed Res Int, 2020 Aug;2020:6739823; Kansuttiviwat C et al. NPJ Genom Med, 2024 Feb;9:9). This variant is considered to be rare based on population cohorts in the Genome Aggregation Database (gnomAD). This alteration is expected to result in loss of function by premature protein truncation or nonsense-mediated mRNA decay. As such, this alteration is interpreted as a disease-causing mutation.

Literature cited by the submitters: PubMed 30287823; PubMed 30972954; PubMed 32879886; PubMed 38355628.

NM_007294.4(BRCA1):c.440del (p.Leu147fs)

Gene: BRCA1 (BRCA1 DNA repair associated; minus strand). Cytogenetic location: 17q21.31.
Variant type: Deletion.
Coding change: c.440del on transcript NM_007294.4 (MANE Select); coding-DNA position 440, one base deleted (T; older notation c.440delT).
Protein change: p.Leu147fs; shifts the reading frame from leucine 147.
Molecular consequence: frameshift variant. On other transcripts: non-coding transcript variant (1).
Genome position (GRCh38, 1-based): chr17:43,104,123, A deleted on the plus strand (T on the coding strand, the reverse complement: BRCA1 is on the minus strand); the first of 2 consecutive A bases (chr17:43,104,123-43,104,124); deleting either gives the same sequence. VCF-style (leftmost placement, unchanged base first): chr17-43104122-CA-C. GRCh37 (hg19) VCF-style: chr17-41256139-CA-C.
Other names: c.430delT, p.Leu144Cysfs (NM_001407646.1, NM_001407647.1, NM_001408408.1); c.439delT, p.Leu147Cysfs (NM_001407648.1, NM_001407652.1, NM_001407664.1 and 95 more transcripts); c.439delT, p.Leu147Trpfs (NM_001407649.1, NM_001407587.1, NM_001407590.1 and 65 more transcripts); c.361delT, p.Leu121Cysfs (NM_001407653.1, NM_001407655.1, NM_001407654.1 and 12 more transcripts); c.361delT, p.Leu121Trpfs (NM_001407659.1, NM_001407661.1, NM_001407660.1 and 6 more transcripts); c.298delT, p.Leu100Cysfs (NM_001408496.1, NM_001408497.1, NM_001408498.1 and 60 more transcripts); c.229delT, p.Leu77Cysfs (NM_001408502.1, NM_001408506.1, NM_001408507.1 and 37 more transcripts); c.298delT, p.Leu100Trpfs (NM_001408503.1, NM_001408504.1, NM_001408505.1 and 35 more transcripts); and 7 more; short protein forms L100fs, L147fs.
Identifiers: ClinVar variation 3825303 (VCV003825303.1).